The following is an entry in ClinVar:

NM_001374736.1(DST):c.17141C>T (p.Ala5714Val)

Gene: DST (dystonin; minus strand). Cytogenetic location: 6p12.1.
Variant type: single nucleotide variant.
Coding change: c.17141C>T on transcript NM_001374736.1 (MANE Select); coding-DNA position 17141, C replaced by T.
Protein change: p.Ala5714Val; replaces alanine 5714 with valine.
Molecular consequence: missense variant.
Genome position (GRCh38, 1-based): chr6:56,530,101, G>A on the plus strand (C>T on the coding strand, the complement: DST is on the minus strand). VCF-style: chr6-56530101-G-A. GRCh37 (hg19) VCF-style: chr6-56394899-G-A.
Other names: c.10784C>T, p.Ala3595Val (NM_001144769.5); c.10370C>T, p.Ala3457Val (NM_001144770.2); c.17141C>T, p.Ala5714Val (NM_001374722.1); c.16508C>T, p.Ala5503Val (NM_001374729.1); c.10250C>T, p.Ala3417Val (NM_001374730.1, NM_001386100.1, NM_183380.4); c.17168C>T, p.Ala5723Val (NM_001374734.1); c.9272C>T, p.Ala3091Val (NM_015548.5); short protein forms A3457V, A3595V, A5723V, A3091V, A5714V, A3417V, A5503V.
Identifiers: ClinVar variation 1478410 (VCV001478410.4), dbSNP rs758758958, ClinGen allele CA3867506.
Genomic context (GRCh38, chr6:56,530,101, plus strand): 5'-CTCTTTTCTATGGTTGTAAGCCACTCGTTCAGTGGTTCTAAGGTTTCATGAAATTGCTGT[G>A]CTACCACCGAGATACCTTCCAACTGACGATTCCTACAAATGTGCCAAAAGGTCATTTAGG-3'
Protein context (NP_001361665.1, residues 5704-5724): NRQLEGISVV[Ala5714Val]QQFHETLEPL

ClinVar aggregate classification (germline): Uncertain significance (1 of 4 stars; one submission).

Conditions:
Hereditary sensory and autonomic neuropathy type 6. Also called: Neuropathy, hereditary sensory and autonomic, type VI; HSAN VI. Identifiers: Orphanet 314381, MedGen C3539003, MONDO:0013839, OMIM 614653.
Epidermolysis bullosa simplex 3, localized or generalized intermediate, with BP230 deficiency (EBS3). Also called: Epidermolysis bullosa simplex due to BP230 deficiency; Epidermolysis bullosa simplex, autosomal recessive 2. Identifiers: Orphanet 412181, MedGen C3809470, MONDO:0014180, OMIM 615425.

Allele frequency attached by ClinVar (database versions not stated): ExAC 0.00001; gnomAD 0.00001; gnomAD exomes 0.00001; TOPMed 0.00001.
gnomAD v4.1: 50 of 1,607,968 alleles (0.0031%); highest among the groups gnomAD compares: Non-Finnish European, 0.0042%; no homozygotes.

Submission:

Labcorp Genetics (formerly Invitae), Labcorp
Classification: Uncertain significance for Epidermolysis bullosa simplex 3, localized or generalized intermediate, with BP230 deficiency; Hereditary sensory and autonomic neuropathy type 6. Last evaluated: 2022-02-05. Review status: criteria provided, single submitter. Criteria: Invitae Variant Classification Sherloc (09022015). Collection method: clinical testing. Allele origin: germline.
Comment: In summary, the available evidence is currently insufficient to determine the role of this variant in disease. Therefore, it has been classified as a Variant of Uncertain Significance. Experimental studies and prediction algorithms are not available or were not evaluated, and the functional significance of this variant is currently unknown. The DST gene has multiple clinically relevant transcripts. This variant occurs in alternate transcript NM_015548.4, and corresponds to NM_001723.5:c.*85416C>T in the primary transcript. This sequence change replaces alanine, which is neutral and non-polar, with valine, which is neutral and non-polar, at codon 3091 of the DST protein (p.Ala3091Val). This variant is present in population databases (rs758758958, gnomAD 0.002%). This variant has not been reported in the literature in individuals affected with DST-related conditions.